The following is an entry in ClinVar:

NM_033026.6(PCLO):c.1609G>T (p.Ala537Ser)

Gene: PCLO (piccolo presynaptic cytomatrix protein; minus strand). Cytogenetic location: 7q21.11.
Variant type: single nucleotide variant.
Coding change: c.1609G>T on transcript NM_033026.6 (MANE Select); coding-DNA position 1609, G replaced by T.
Protein change: p.Ala537Ser; replaces alanine 537 with serine.
Molecular consequence: missense variant.
Genome position (GRCh38, 1-based): chr7:83,155,032, C>A on the plus strand (G>T on the coding strand, the complement: PCLO is on the minus strand). VCF-style: chr7-83155032-C-A. GRCh37 (hg19) VCF-style: chr7-82784348-C-A.
Other names: c.1609G>T, p.Ala537Ser (NM_014510.3); c.1609G>T (NM_033026.5); short protein forms A537S.
Identifiers: ClinVar variation 1474689 (VCV001474689.5), dbSNP rs774868460, ClinGen allele CA4321406.
Genomic context (GRCh38, chr7:83,155,032, plus strand): 5'-GTTTTGTAGATTGCTGAGCCGAGGGCTTTGCTGGGCTAGGCTGTTGAGCTGAGGGTTTTG[C>A]TGAGCCAGGCTGTTGAGATGGGGGTTTTGTTGAGCCAGGCTGTTGAGGTGAGGGCTTTGC-3'
Protein context (NP_149015.2, residues 527-547): TKPPSQQPGS[Ala537Ser]KPSAQQPSPA

ClinVar aggregate classification (germline): Conflicting classifications of pathogenicity. Review status: criteria provided, conflicting classifications (1 of 4 stars). 2 submissions from 2 submitters: Uncertain significance (1); Likely benign (1). Last evaluated 2025-12-08.

Conditions:
Inborn genetic diseases. Identifiers: MedGen C0950123, MeSH D030342.

Allele frequency attached by ClinVar (database versions not stated): ExAC 0.00001; TOPMed 0.00012; gnomAD 0.00004; gnomAD exomes 0.00001.

Submissions (2):

Ambry Genetics
Classification: Likely benign for Inborn genetic diseases. Last evaluated: 2025-12-08. Review status: criteria provided, single submitter. Criteria: Ambry Variant Classification Scheme 2023. Collection method: clinical testing. Allele origin: germline.

Labcorp Genetics (formerly Invitae), Labcorp
Classification: Uncertain significance. Last evaluated: 2021-10-28. Review status: criteria provided, single submitter. Criteria: Invitae Variant Classification Sherloc (09022015). Collection method: clinical testing. Allele origin: germline.
Comment: This sequence change replaces alanine, which is neutral and non-polar, with serine, which is neutral and polar, at codon 537 of the PCLO protein (p.Ala537Ser). This variant is present in population databases (rs774868460, gnomAD 0.003%). This variant has not been reported in the literature in individuals affected with PCLO-related conditions. Algorithms developed to predict the effect of missense changes on protein structure and function are either unavailable or do not agree on the potential impact of this missense change (SIFT: "Deleterious"; PolyPhen-2: "Possibly Damaging"; Align-GVGD: "Class C0"). In summary, the available evidence is currently insufficient to determine the role of this variant in disease. Therefore, it has been classified as a Variant of Uncertain Significance.